The following is an entry in ClinVar:

ClinVar aggregate classification (germline): Benign/Likely benign. Review status: criteria provided, multiple submitters, no conflicts (2 of 4 stars). 3 submissions from 3 submitters: Benign (1); Likely benign (2). Last evaluated 2026-06-01.

gnomAD v4.1: 483 of 1,612,906 alleles (0.03%); highest among the groups gnomAD compares: Admixed American, 0.09%; no homozygotes.

Submissions (3):

CeGaT Center for Human Genetics Tuebingen
Classification: Likely benign. Last evaluated: 2026-06-01. Review status: criteria provided, single submitter. Criteria: CeGaT Center For Human Genetics Tuebingen Variant Classification Criteria Version 2. Collection method: clinical testing. Allele origin: germline. Affected: yes. Observed: 1 variant allele.
Comment: MACF1: BP4, BS2

Labcorp Genetics (formerly Invitae), Labcorp
Classification: Benign. Last evaluated: 2025-11-17. Review status: criteria provided, single submitter. Criteria: Invitae Variant Classification Sherloc (09022015). Collection method: clinical testing. Allele origin: germline.

Blueprint Genetics
Classification: Likely benign. Last evaluated: 2024-11-13. Review status: criteria provided, single submitter. Criteria: ACMG Guidelines, 2015. Collection method: clinical testing. Allele origin: germline.

NM_001394062.1(MACF1):c.20418+7G>C

Gene: MACF1 (microtubule actin crosslinking factor 1; plus strand). Cytogenetic location: 1p34.3.
Variant type: single nucleotide variant.
Coding change: c.20418+7G>C on transcript NM_001394062.1 (MANE Select); 7 bases into the intron after coding-DNA position 20418, G replaced by C.
Molecular consequence: intron variant.
Genome position (GRCh38, 1-based): chr1:39,451,218, G>C. VCF-style: chr1-39451218-G-C. GRCh37 (hg19) VCF-style: chr1-39916890-G-C.
Other names: c.14241+7G>C (NM_012090.5); c.8496+7G>C (NM_001397473.1).
Identifiers: ClinVar variation 4800393 (VCV004800393.4).